The following is an entry in ClinVar:

ClinVar aggregate classification (germline): Uncertain significance (1 of 4 stars; one submission).

Submission:

Geisinger Autism and Developmental Medicine Institute, Geisinger Health System
Classification: Uncertain significance. Last evaluated: 2017-06-12. Review status: criteria provided, single submitter. Criteria: ACMG CNV Guidelines, 2011. Collection method: provider interpretation. Allele origin: unknown.
Comment: Paternal history is unknown. Parental samples were not available for testing. Additionally, a variant of uncertain significance was identified by whole exome sequencing.

Single allele

Genes: CAND2 (cullin associated and neddylation dissociated 2 (putative); plus strand), IQSEC1 (IQ motif and Sec7 domain ArfGEF 1; minus strand), MKRN2 (makorin ring finger protein 2; plus strand), RAF1 (Raf-1 proto-oncogene, serine/threonine kinase; minus strand), RPL32 (ribosomal protein L32; minus strand) and 1 more. Cytogenetic location: 3p25.2.
Variant type: Duplication.
Identifiers: ClinVar variation 560052 (VCV000560052.3).